The following is an entry in ClinVar:

ClinVar aggregate classification (germline): Uncertain significance. Review status: criteria provided, multiple submitters, no conflicts (2 of 4 stars). 2 submissions from 2 submitters: Uncertain significance (2). Last evaluated 2025-12-08.

Conditions:
Inborn genetic diseases. Identifiers: MedGen C0950123, MeSH D030342.

gnomAD v4.1: 6 of 1,613,492 alleles (0.00037%); highest among the groups gnomAD compares: African/African-American, 0.004%; no homozygotes.

Submissions (2):

Labcorp Genetics (formerly Invitae), Labcorp
Classification: Uncertain significance. Last evaluated: 2025-12-08. Review status: criteria provided, single submitter. Criteria: Invitae Variant Classification Sherloc (09022015). Collection method: clinical testing. Allele origin: germline.
Comment: This sequence change replaces alanine, which is neutral and non-polar, with threonine, which is neutral and polar, at codon 54 of the ASXL1 protein (p.Ala54Thr). This variant is present in population databases (no rsID available, gnomAD 0.007%). This variant has not been reported in the literature in individuals affected with ASXL1-related conditions. ClinVar contains an entry for this variant (Variation ID: 1926359). An algorithm developed to predict the effect of missense changes on protein structure and function (PolyPhen-2) suggests that this variant is likely to be disruptive. In summary, the available evidence is currently insufficient to determine the role of this variant in disease. Therefore, it has been classified as a Variant of Uncertain Significance.

Ambry Genetics
Classification: Uncertain significance for Inborn genetic diseases. Last evaluated: 2025-06-09. Review status: criteria provided, single submitter. Criteria: Ambry Variant Classification Scheme 2023. Collection method: clinical testing. Allele origin: germline.

NM_015338.6(ASXL1):c.160G>A (p.Ala54Thr)

Gene: ASXL1 (ASXL transcriptional regulator 1; plus strand). Cytogenetic location: 20q11.21.
Variant type: single nucleotide variant.
Coding change: c.160G>A on transcript NM_015338.6 (MANE Select); coding-DNA position 160, G replaced by A.
Protein change: p.Ala54Thr; replaces alanine 54 with threonine.
Molecular consequence: missense variant.
Genome position (GRCh38, 1-based): chr20:32,369,031, G>A. VCF-style: chr20-32369031-G-A. GRCh37 (hg19) VCF-style: chr20-30956834-G-A.
Other names: c.160G>A, p.Ala54Thr (NM_001164603.1); c.130G>A, p.Ala44Thr (NM_001363734.1); short protein forms A44T, A54T.
Identifiers: ClinVar variation 1926359 (VCV001926359.7), dbSNP rs867857427, ClinGen allele CA314094309.